The following is an entry in ClinVar:

NM_022124.6(CDH23):c.7569G>A (p.Pro2523=)

Gene: CDH23 (cadherin related 23; plus strand). Cytogenetic location: 10q22.1.
Variant type: single nucleotide variant.
Coding change: c.7569G>A on transcript NM_022124.6 (MANE Select); coding-DNA position 7569, G replaced by A.
Protein change: p.Pro2523=; no amino-acid change (proline 2523 retained).
Molecular consequence: synonymous variant.
Genome position (GRCh38, 1-based): chr10:71,802,984, G>A. VCF-style: chr10-71802984-G-A. GRCh37 (hg19) VCF-style: chr10-73562741-G-A.
Other names: c.849G>A, p.Pro283= (NM_001171933.1, NM_001171934.1).
Identifiers: ClinVar variation 752142 (VCV000752142.13), dbSNP rs533989797, ClinGen allele CA5546378.

ClinVar aggregate classification (germline): Likely benign. Review status: criteria provided, multiple submitters, no conflicts (2 of 4 stars). 4 submissions from 4 submitters: Likely benign (3). 1 of the submissions does not count toward it. Last evaluated 2024-12-16.

Conditions:
Usher syndrome type 1 (USH1). Also called: RETINITIS PIGMENTOSA AND CONGENITAL DEAFNESS. Identifiers: Orphanet 231169, Orphanet 886, MedGen C1568247, MONDO:0010168, OMIM 276900.
CDH23-related disorder. Also called: CDH23-related disorders; CDH23-related condition.

Allele frequency attached by ClinVar (database versions not stated): ExAC 0.00003; gnomAD 0.00004 and 0.00006; gnomAD exomes 0.00004; TOPMed 0.00005.
gnomAD v4.1: 74 of 1,614,016 alleles (0.0046%); highest among the groups gnomAD compares: East Asian, 0.018%; no homozygotes.

Submissions (4):

Labcorp Genetics (formerly Invitae), Labcorp
Classification: Likely benign. Last evaluated: 2024-12-16. Review status: criteria provided, single submitter. Criteria: Invitae Variant Classification Sherloc (09022015). Collection method: clinical testing. Allele origin: germline.

PreventionGenetics, part of Exact Sciences
Classification: Likely benign for CDH23-related condition. Last evaluated: 2024-12-10. Review status: criteria provided, single submitter. Criteria: ACMG Guidelines, 2015. Collection method: clinical testing. Allele origin: germline.
Comment: This variant is classified as likely benign based on ACMG/AMP sequence variant interpretation guidelines (Richards et al. 2015 PMID: 25741868, with internal and published modifications).

Blueprint Genetics
Classification: Likely benign. Last evaluated: 2024-07-03. Review status: criteria provided, single submitter. Criteria: ACMG Guidelines, 2015. Collection method: clinical testing. Allele origin: germline.

Natera, Inc.
Classification: Uncertain significance for Usher syndrome type 1. Last evaluated: 2020-03-11. Review status: no assertion criteria provided. Collection method: clinical testing. Allele origin: germline. Not counted in ClinVar's aggregate classification.